The following is an entry in ClinVar:

ClinVar aggregate classification (germline): Uncertain significance. Review status: criteria provided, multiple submitters, no conflicts (2 of 4 stars). 2 submissions from 2 submitters: Uncertain significance (2). Last evaluated 2024-05-01.

Conditions:
Inborn genetic diseases. Identifiers: MedGen C0950123, MeSH D030342.

Allele frequency attached by ClinVar (database versions not stated): gnomAD exomes 0.00001.
gnomAD v4.1: 5 of 1,578,556 alleles (0.00032%); highest among the groups gnomAD compares: Non-Finnish European, 0.00043%; no homozygotes.

Submissions (2):

Ambry Genetics
Classification: Uncertain significance for Inborn genetic diseases. Last evaluated: 2024-05-01. Review status: criteria provided, single submitter. Criteria: Ambry Variant Classification Scheme 2023. Collection method: clinical testing. Allele origin: germline.

Labcorp Genetics (formerly Invitae), Labcorp
Classification: Uncertain significance. Last evaluated: 2023-10-06. Review status: criteria provided, single submitter. Criteria: Invitae Variant Classification Sherloc (09022015). Collection method: clinical testing. Allele origin: germline.
Comment: This sequence change replaces serine, which is neutral and polar, with proline, which is neutral and non-polar, at codon 2427 of the CHD8 protein (p.Ser2427Pro). This variant is not present in population databases (gnomAD no frequency). This variant has not been reported in the literature in individuals affected with CHD8-related conditions. An algorithm developed to predict the effect of missense changes on protein structure and function (PolyPhen-2) suggests that this variant is likely to be tolerated. In summary, the available evidence is currently insufficient to determine the role of this variant in disease. Therefore, it has been classified as a Variant of Uncertain Significance.

NM_001170629.2(CHD8):c.7279T>C (p.Ser2427Pro)

Gene: CHD8 (chromodomain helicase DNA binding protein 8; minus strand). Cytogenetic location: 14q11.2.
Variant type: single nucleotide variant.
Coding change: c.7279T>C on transcript NM_001170629.2 (MANE Select); coding-DNA position 7279, T replaced by C.
Protein change: p.Ser2427Pro; replaces serine 2427 with proline.
Molecular consequence: missense variant.
Genome position (GRCh38, 1-based): chr14:21,386,080, A>G on the plus strand (T>C on the coding strand, the complement: CHD8 is on the minus strand). VCF-style: chr14-21386080-A-G. GRCh37 (hg19) VCF-style: chr14-21854239-A-G.
Other names: c.6442T>C, p.Ser2148Pro (NM_020920.4); c.7279T>C (NM_001170629.1); short protein forms S2148P, S2427P.
Identifiers: ClinVar variation 2807157 (VCV002807157.4), dbSNP rs748447130, ClinGen allele CA7090563.